The following is an entry in ClinVar:

ClinVar aggregate classification (germline): Benign. Review status: criteria provided, multiple submitters, no conflicts (2 of 4 stars). 10 submissions from 10 submitters: Benign (8). 2 of the submissions do not count toward it. Last evaluated 2026-06-05.

Conditions:
Ectopia lentis et pupillae. Also called: ECTOPIA LENTIS WITH ECTOPIA OF PUPIL. Identifiers: Orphanet 1885, MedGen C1644196, MONDO:0009153, OMIM 225200.
Ectopia lentis 2, isolated, autosomal recessive (ECTOL2). Identifiers: Orphanet 1885, MedGen C3541474, MONDO:0009152, OMIM 225100.

Allele frequency attached by ClinVar (database versions not stated): ESP Exome Variant Server 0.84353; TOPMed 0.84951; gnomAD 0.85136 and 0.85475; gnomAD exomes 0.86419 and 0.87038; ExAC 0.86757; 1000 Genomes Project 30x 0.87149; 1000 Genomes Project 0.87839.

Submissions (10):

Women's Health and Genetics/Laboratory Corporation of America, LabCorp
Classification: Benign. Last evaluated: 2026-06-05. Review status: criteria provided, single submitter. Criteria: LabCorp Variant Classification Summary - May 2015. Collection method: clinical testing. Allele origin: germline.

Labcorp Genetics (formerly Invitae), Labcorp
Classification: Benign. Last evaluated: 2026-02-04. Review status: criteria provided, single submitter. Criteria: Invitae Variant Classification Sherloc (09022015). Collection method: clinical testing. Allele origin: germline.

Blueprint Genetics
Classification: Benign. Last evaluated: 2024-11-26. Review status: criteria provided, single submitter. Criteria: ACMG Guidelines, 2015. Collection method: clinical testing. Allele origin: germline.

Genome-Nilou Lab
Classification: Benign for Ectopia lentis et pupillae. Last evaluated: 2021-07-14. Review status: criteria provided, single submitter. Criteria: ACMG Guidelines, 2015. Collection method: clinical testing. Allele origin: germline. Affected: no.

Illumina Laboratory Services, Illumina
Classification: Benign for Ectopia lentis 2, isolated, autosomal recessive. Last evaluated: 2018-01-12. Review status: criteria provided, single submitter. Criteria: ICSL Variant Classification Criteria 13 December 2019. Collection method: clinical testing. Allele origin: germline.
Comment: This variant was observed in the ICSL laboratory as part of a predisposition screen in an ostensibly healthy population. It had not been previously curated by ICSL or reported in the Human Gene Mutation Database (HGMD: prior to June 1st, 2018), and was therefore a candidate for classification through an automated scoring system. Utilizing variant allele frequency, disease prevalence and penetrance estimates, and inheritance mode, an automated score was calculated to assess if this variant is too frequent to cause the disease. Based on the score and internal cut-off values, a variant classified as benign is not then subjected to further curation. The score for this variant resulted in a classification of benign for this disease.

GeneDx
Classification: Benign. Last evaluated: 2017-05-19. Review status: criteria provided, single submitter. Criteria: GeneDx Variant Classification (06012015). Collection method: clinical testing. Allele origin: germline. Affected: yes.
Comment: This variant is considered likely benign or benign based on one or more of the following criteria: it is a conservative change, it occurs at a poorly conserved position in the protein, it is predicted to be benign by multiple in silico algorithms, and/or has population frequency not consistent with disease.

Breakthrough Genomics
Classification: Benign. Review status: criteria provided, single submitter. Criteria: ACMG Guidelines, 2015. Collection method: not provided. Allele origin: germline. Inheritance: Autosomal recessive inheritance. Affected: yes.

PreventionGenetics, part of Exact Sciences
Classification: Benign. Review status: criteria provided, single submitter. Criteria: ACMG Guidelines, 2015. Collection method: clinical testing. Allele origin: germline.

Diagnostic Laboratory, Department of Genetics, University Medical Center Groningen
Classification: Benign for Ectopia lentis et pupillae. Review status: no assertion criteria provided. Collection method: clinical testing. Allele origin: germline. Affected: yes. Study: VKGL Data-share Consensus. Not counted in ClinVar's aggregate classification.

Genome Diagnostics Laboratory, Amsterdam University Medical Center
Classification: Benign. Review status: no assertion criteria provided. Collection method: clinical testing. Allele origin: germline. Affected: yes. Study: VKGL Data-share Consensus. Not counted in ClinVar's aggregate classification.

NM_019032.6(ADAMTSL4):c.2484G>A (p.Pro828=)

Gene: ADAMTSL4 (ADAMTS like 4; plus strand). Cytogenetic location: 1q21.2.
Variant type: single nucleotide variant.
Coding change: c.2484G>A on transcript NM_019032.6 (MANE Select); coding-DNA position 2484, G replaced by A.
Protein change: p.Pro828=; no amino-acid change (proline 828 retained).
Molecular consequence: synonymous variant.
Genome position (GRCh38, 1-based): chr1:150,558,574, G>A. VCF-style: chr1-150558574-G-A. GRCh37 (hg19) VCF-style: chr1-150531050-G-A.
Other names: c.2367G>A, p.Pro789= (NM_001288607.2); c.2553G>A, p.Pro851= (NM_001288608.2); c.2484G>A, p.Pro828= (NM_001378596.1, NM_025008.5).
Identifiers: ClinVar variation 261077 (VCV000261077.20), dbSNP rs10749657, ClinGen allele CA1078698.